The following is an entry in ClinVar:

ClinVar aggregate classification (germline): Uncertain significance (0 of 4 stars; one submission).

Conditions:
TBK1-related disorder. Also called: TBK1-related condition.

Submission:

PreventionGenetics, part of Exact Sciences
Classification: Uncertain significance for TBK1-related condition. Last evaluated: 2024-06-24. Review status: no assertion criteria provided. Collection method: clinical testing. Allele origin: germline.
Comment: The TBK1 c.446G>T variant is predicted to result in the amino acid substitution p.Gly149Val. To our knowledge, this variant has not been reported in the literature or in a large population database, indicating this variant is rare. At this time, the clinical significance of this variant is uncertain due to the absence of conclusive functional and genetic evidence.

NM_013254.4(TBK1):c.446G>T (p.Gly149Val)

Gene: TBK1 (TANK binding kinase 1; plus strand). Cytogenetic location: 12q14.2.
Variant type: single nucleotide variant.
Coding change: c.446G>T on transcript NM_013254.4 (MANE Select); coding-DNA position 446, G replaced by T.
Protein change: p.Gly149Val; replaces glycine 149 with valine.
Molecular consequence: missense variant.
Genome position (GRCh38, 1-based): chr12:64,466,988, G>T. VCF-style: chr12-64466988-G-T. GRCh37 (hg19) VCF-style: chr12-64860768-G-T.
Other names: short protein forms G149V.
Identifiers: ClinVar variation 3346833 (VCV003346833.1).
Genomic context (GRCh38, chr12:64,466,988, plus strand): 5'-ATGGTATAGTGCACCGTGATATCAAGCCAGGAAATATCATGCGTGTTATAGGGGAAGATG[G>T]ACAGTCTGTGTACAAACTCACAGATTTTGGTGCAGCTAGAGAATTAGAAGATGATGAGCA-3'
Protein context (NP_037386.1, residues 139-159): GNIMRVIGED[Gly149Val]QSVYKLTDFG